The following is an entry in ClinVar:

ClinVar aggregate classification (germline): Uncertain significance (1 of 4 stars; one submission).

Conditions:
RASopathy. Also called: Noonan spectrum disorder; rasopathies. Identifiers: Orphanet 536391, MedGen C5555857, MONDO:0021060.

Submission:

Labcorp Genetics (formerly Invitae), Labcorp
Classification: Uncertain significance for RASopathy. Last evaluated: 2022-11-23. Review status: criteria provided, single submitter. Criteria: Invitae Variant Classification Sherloc (09022015). Collection method: clinical testing. Allele origin: unknown.
Comment: This variant results in a copy number gain of the genomic region encompassing exon(s) 13-16 of the CBL gene. This region includes the termination codon of the gene. This copy number gain extends beyond the assayed region for this gene and therefore may encompass additional genes. As the precise location of this event is unknown, it may be in tandem or it may be located elsewhere in the genome. In summary, the available evidence is currently insufficient to determine the role of this variant in disease. Therefore, it has been classified as a Variant of Uncertain Significance. Experimental studies and prediction algorithms are not available or were not evaluated, and the functional significance of this variant is currently unknown. This variant has not been reported in the literature in individuals affected with CBL-related conditions.

NC_000011.9:g.(?_119167608)_(119170491_?)dup

Gene: CBL (Cbl proto-oncogene; plus strand). Cytogenetic location: 11q23.3.
Variant type: Duplication.
Identifiers: ClinVar variation 3244704 (VCV003244704.1).